The following is an entry in ClinVar:

ClinVar aggregate classification (germline): Conflicting classifications of pathogenicity. Review status: criteria provided, conflicting classifications (1 of 4 stars). 2 submissions from 2 submitters: Uncertain significance (1); Likely benign (1). Last evaluated 2021-07-28.

Conditions:
Monogenic diabetes. Identifiers: Orphanet 183625, MedGen C3888631, MONDO:0015967.
Alstrom syndrome (ALMS). Identifiers: Orphanet 64, MedGen C0268425, MONDO:0008763, OMIM 203800.

Allele frequency attached by ClinVar (database versions not stated): TOPMed 0.00001.
gnomAD v4.1: 34 of 1,613,940 alleles (0.0021%); highest among the groups gnomAD compares: Non-Finnish European, 0.0028%; no homozygotes.

Submissions (2):

Labcorp Genetics (formerly Invitae), Labcorp
Classification: Uncertain significance for Alstrom syndrome. Last evaluated: 2021-07-28. Review status: criteria provided, single submitter. Criteria: Invitae Variant Classification Sherloc (09022015). Collection method: clinical testing. Allele origin: germline.
Comment: This sequence change replaces aspartic acid with alanine at codon 3261 of the ALMS1 protein (p.Asp3261Ala). The aspartic acid residue is moderately conserved and there is a moderate physicochemical difference between aspartic acid and alanine. This variant is not present in population databases (ExAC no frequency). This variant has not been reported in the literature in individuals affected with ALMS1-related conditions. ClinVar contains an entry for this variant (Variation ID: 916715). Experimental studies and prediction algorithms are not available or were not evaluated, and the functional significance of this variant is currently unknown. In summary, the available evidence is currently insufficient to determine the role of this variant in disease. Therefore, it has been classified as a Variant of Uncertain Significance.

Personalized Diabetes Medicine Program, University of Maryland School of Medicine
Classification: Likely benign for Monogenic diabetes. Last evaluated: 2018-04-09. Review status: criteria provided, single submitter. Criteria: ACMG Guidelines, 2015. Collection method: research. Allele origin: unknown. Observed: 1 variant allele, 1 heterozygote.
Comment: ACMG criteria: BP4 (8 predictors), PM2 (absent db), BP1 (missense in gene with truncating cause disease), REVEL 0.142=likely benign

NM_001378454.1(ALMS1):c.9779A>C (p.Asp3260Ala)

Gene: ALMS1 (ALMS1 centrosome and basal body associated protein; plus strand). Cytogenetic location: 2p13.1.
Variant type: single nucleotide variant.
Coding change: c.9779A>C on transcript NM_001378454.1 (MANE Select); coding-DNA position 9779, A replaced by C.
Protein change: p.Asp3260Ala; replaces aspartic acid 3260 with alanine.
Molecular consequence: missense variant.
Genome position (GRCh38, 1-based): chr2:73,520,014, A>C. VCF-style: chr2-73520014-A-C. GRCh37 (hg19) VCF-style: chr2-73747141-A-C.
Other names: c.9782A>C, p.Asp3261Ala (NM_015120.4); short protein forms D3260A, D3261A.
Identifiers: ClinVar variation 916715 (VCV000916715.4), dbSNP rs745518051, ClinGen allele CA50398076.